The following is an entry in ClinVar:

NM_015650.4(TRAF3IP1):c.1576G>A (p.Val526Ile)

Gene: TRAF3IP1 (TRAF3 interacting protein 1; plus strand). Cytogenetic location: 2q37.3.
Variant type: single nucleotide variant.
Coding change: c.1576G>A on transcript NM_015650.4 (MANE Select); coding-DNA position 1576, G replaced by A.
Protein change: p.Val526Ile; replaces valine 526 with isoleucine.
Molecular consequence: missense variant.
Genome position (GRCh38, 1-based): chr2:238,353,173, G>A. VCF-style: chr2-238353173-G-A. GRCh37 (hg19) VCF-style: chr2-239261814-G-A.
Other names: c.1378G>A, p.Val460Ile (NM_001139490.1); short protein forms V460I, V526I.
Identifiers: ClinVar variation 2116584 (VCV002116584.2), dbSNP rs2469706546, ClinGen allele CA351233620.

ClinVar aggregate classification (germline): Uncertain significance (1 of 4 stars; one submission).

Submission:

Labcorp Genetics (formerly Invitae), Labcorp
Classification: Uncertain significance. Last evaluated: 2022-03-24. Review status: criteria provided, single submitter. Criteria: Invitae Variant Classification Sherloc (09022015). Collection method: clinical testing. Allele origin: germline.
Comment: In summary, the available evidence is currently insufficient to determine the role of this variant in disease. Therefore, it has been classified as a Variant of Uncertain Significance. Algorithms developed to predict the effect of missense changes on protein structure and function are either unavailable or do not agree on the potential impact of this missense change (SIFT: "Tolerated"; PolyPhen-2: "Possibly Damaging"; Align-GVGD: "Class C0"). This variant has not been reported in the literature in individuals affected with TRAF3IP1-related conditions. This variant is not present in population databases (gnomAD no frequency). This sequence change replaces valine, which is neutral and non-polar, with isoleucine, which is neutral and non-polar, at codon 526 of the TRAF3IP1 protein (p.Val526Ile).